The following is an entry in ClinVar:

ClinVar aggregate classification (germline): Conflicting classifications of pathogenicity. Review status: criteria provided, conflicting classifications (1 of 4 stars). 2 submissions from 2 submitters: Uncertain significance (1); Likely benign (1). Last evaluated 2022-01-27.

Conditions:
Hereditary cancer-predisposing syndrome. Also called: Hereditary neoplastic syndrome; Tumor predisposition; Hereditary Cancer Syndrome; Neoplastic Syndromes, Hereditary. Identifiers: Orphanet 140162, MedGen C0027672, MeSH D009386, MONDO:0015356.
Hereditary breast ovarian cancer syndrome. Also called: Hereditary breast and ovarian cancer syndrome (HBOC); Hereditary breast and ovarian cancer; BRCA1- and BRCA2-Associated Hereditary Breast and Ovarian Cancer; Breast and ovarian cancer; Hereditary breast and ovarian cancer syndrome; Hereditary breast and/or ovarian cancer syndrome. Identifiers: Orphanet 145, MedGen C0677776, MeSH D061325, MONDO:0003582. Disease mechanism: loss of function.

Submissions (3):

Labcorp Genetics (formerly Invitae), Labcorp
Classification: Uncertain significance for Hereditary breast ovarian cancer syndrome. Last evaluated: 2022-01-27. Review status: criteria provided, single submitter. Criteria: Invitae Variant Classification Sherloc (09022015). Collection method: clinical testing. Allele origin: germline.
Comment: ClinVar contains an entry for this variant (Variation ID: 644391). This variant has not been reported in the literature in individuals affected with BRCA1-related conditions. This variant is not present in population databases (gnomAD no frequency). This sequence change replaces methionine, which is neutral and non-polar, with isoleucine, which is neutral and non-polar, at codon 1689 of the BRCA1 protein (p.Met1689Ile). Advanced modeling of protein sequence and biophysical properties (such as structural, functional, and spatial information, amino acid conservation, physicochemical variation, residue mobility, and thermodynamic stability) performed at Invitae indicates that this missense variant is not expected to disrupt BRCA1 protein function. In summary, the available evidence is currently insufficient to determine the role of this variant in disease. Therefore, it has been classified as a Variant of Uncertain Significance. Experimental studies have shown that this missense change does not substantially affect BRCA1 function (PMID: 30209399).

Ambry Genetics
Classification: Likely benign for Hereditary cancer-predisposing syndrome. Last evaluated: 2021-05-20. Review status: criteria provided, single submitter. Criteria: Ambry Variant Classification Scheme 2023. Collection method: clinical testing. Allele origin: germline.

Brotman Baty Institute, University of Washington
No classification provided (evidence only). Condition: Breast-ovarian cancer, familial 1. Review status: no classification provided. Collection method: in vitro. Allele origin: not applicable. Functional consequence: functionally_normal. Not counted in ClinVar's aggregate classification.
ClinVar note: "not provided" was previously submitted as the classification for the variant. However, the classification appeared to be based only on an observation of functional data so it was converted to no classification on 2025-07-30.

Literature cited by the submitters: PubMed 30209399 (cited by Labcorp Genetics (formerly Invitae), Labcorp and Ambry Genetics).

NM_007294.4(BRCA1):c.5067G>A (p.Met1689Ile)

Gene: BRCA1 (BRCA1 DNA repair associated; minus strand). Cytogenetic location: 17q21.31.
Variant type: single nucleotide variant.
Coding change: c.5067G>A on transcript NM_007294.4 (MANE Select); coding-DNA position 5067, G replaced by A.
Protein change: p.Met1689Ile; replaces methionine 1689 with isoleucine.
Molecular consequence: missense variant. On other transcripts: non-coding transcript variant (1).
Genome position (GRCh38, 1-based): chr17:43,067,615, C>T on the plus strand (G>A on the coding strand, the complement: BRCA1 is on the minus strand). VCF-style: chr17-43067615-C-T. GRCh37 (hg19) VCF-style: chr17-41219632-C-T.
Other names: c.4854G>A, p.Met1618Ile (NM_001407571.1, NM_001407904.1, NM_001407906.1 and 12 more transcripts); c.5133G>A, p.Met1711Ile (NM_001407581.1, NM_001407582.1); c.5130G>A, p.Met1710Ile (NM_001407583.1, NM_001407585.1, NM_001407587.1 and 1 more transcripts); c.5127G>A, p.Met1709Ile (NM_001407590.1, NM_001407591.1); c.5067G>A, p.Met1689Ile (NM_001407593.1, NM_001407594.1, NM_001407596.1 and 8 more transcripts); c.5064G>A, p.Met1688Ile (NM_001407610.1, NM_001407611.1, NM_001407612.1 and 17 more transcripts); c.5061G>A, p.Met1687Ile (NM_001407631.1, NM_001407632.1, NM_001407633.1 and 14 more transcripts); c.4989G>A, p.Met1663Ile (NM_001407653.1, NM_001407654.1, NM_001407655.1); and 70 more; short protein forms M1642I, M1689I, M1710I, M585I, M1535I, M1560I, M1576I, M1577I.
Identifiers: ClinVar variation 644391 (VCV000644391.14), dbSNP rs1597825629, ClinGen allele CA10591387.